The following is an entry in ClinVar:

ClinVar aggregate classification (germline): Likely benign (1 of 4 stars; one submission).

Conditions:
MATR3-related disorder. Also called: MATR3-related condition.

Submission:

PreventionGenetics, part of Exact Sciences
Classification: Likely benign for MATR3-related condition. Last evaluated: 2025-02-13. Review status: criteria provided, single submitter. Criteria: ACMG Guidelines, 2015. Collection method: clinical testing. Allele origin: germline.
Comment: This variant is classified as likely benign based on ACMG/AMP sequence variant interpretation guidelines (Richards et al. 2015 PMID: 25741868, with internal and published modifications).

NM_018834.6(MATR3):c.411T>C (p.Asn137=)

Gene: MATR3 (matrin 3; plus strand). Cytogenetic location: 5q31.2.
Variant type: single nucleotide variant.
Coding change: c.411T>C on transcript NM_018834.6 (MANE Select); coding-DNA position 411, T replaced by C.
Protein change: p.Asn137=; no amino-acid change (asparagine 137 retained).
Molecular consequence: synonymous variant. On other transcripts: intron variant (11).
Genome position (GRCh38, 1-based): chr5:139,307,826, T>C. VCF-style: chr5-139307826-T-C. GRCh37 (hg19) VCF-style: chr5-138643515-T-C.
Other names: c.411T>C, p.Asn137= (NM_001194954.2, NM_001194955.2, NM_001400441.1 and 16 more transcripts); c.52-6849T>C (NM_001400459.1); c.-102-6849T>C (NM_001400463.1, NM_001400460.1, NM_001282278.2 and 3 more transcripts); c.-40-7871T>C (NM_001400462.1, NM_001400467.1); c.13-6849T>C (NM_001400461.1); c.49-6849T>C (NM_001194956.2).
Identifiers: ClinVar variation 4985711 (VCV004985711.1).